The following is an entry in ClinVar:

ClinVar aggregate classification (germline): Uncertain significance (1 of 4 stars; one submission).

Allele frequency attached by ClinVar (database versions not stated): TOPMed below 0.00001.
gnomAD v4.1: 1 of 1,613,804 alleles (0.000062%); highest among the groups gnomAD compares: Non-Finnish European, 0.000085%; no homozygotes.

Submission:

Labcorp Genetics (formerly Invitae), Labcorp
Classification: Uncertain significance. Last evaluated: 2024-02-24. Review status: criteria provided, single submitter. Criteria: Invitae Variant Classification Sherloc (09022015). Collection method: clinical testing. Allele origin: germline.
Comment: This sequence change replaces aspartic acid, which is acidic and polar, with glutamic acid, which is acidic and polar, at codon 1079 of the ADGRV1 protein (p.Asp1079Glu). This variant is not present in population databases (gnomAD no frequency). This variant has not been reported in the literature in individuals affected with ADGRV1-related conditions. ClinVar contains an entry for this variant (Variation ID: 1495158). Advanced modeling of protein sequence and biophysical properties (such as structural, functional, and spatial information, amino acid conservation, physicochemical variation, residue mobility, and thermodynamic stability) performed at Invitae indicates that this missense variant is not expected to disrupt ADGRV1 protein function with a negative predictive value of 95%. In summary, the available evidence is currently insufficient to determine the role of this variant in disease. Therefore, it has been classified as a Variant of Uncertain Significance.

NM_032119.4(ADGRV1):c.3237T>A (p.Asp1079Glu)

Gene: ADGRV1 (adhesion G protein-coupled receptor V1; plus strand). Cytogenetic location: 5q14.3.
Variant type: single nucleotide variant.
Coding change: c.3237T>A on transcript NM_032119.4 (MANE Select); coding-DNA position 3237, T replaced by A.
Protein change: p.Asp1079Glu; replaces aspartic acid 1079 with glutamic acid.
Molecular consequence: missense variant. On other transcripts: non-coding transcript variant (1).
Genome position (GRCh38, 1-based): chr5:90,647,712, T>A. VCF-style: chr5-90647712-T-A. GRCh37 (hg19) VCF-style: chr5-89943529-T-A.
Other names: short protein forms D1079E.
Identifiers: ClinVar variation 1495158 (VCV001495158.7), dbSNP rs1437270133, ClinGen allele CA360393906.